The following is an entry in ClinVar:

ClinVar aggregate classification (germline): Uncertain significance (1 of 4 stars; one submission).

Conditions:
Alzheimer disease. Also called: Presenile and senile dementia; Alzheimer's disease. Identifiers: Orphanet 1020, MedGen C0002395, MeSH D000544, MONDO:0004975, HP:0002511.

gnomAD v4.1: 8 of 1,613,648 alleles (0.0005%); highest among the groups gnomAD compares: Admixed American, 0.0067%; no homozygotes.

Submission:

Labcorp Genetics (formerly Invitae), Labcorp
Classification: Uncertain significance for Alzheimer disease. Last evaluated: 2025-09-18. Review status: criteria provided, single submitter. Criteria: Invitae Variant Classification Sherloc (09022015). Collection method: clinical testing. Allele origin: germline.
Comment: This sequence change affects codon 486 of the APP mRNA. It is a 'silent' change, meaning that it does not change the encoded amino acid sequence of the APP protein. This variant also falls at the last nucleotide of exon 11, which is part of the consensus splice site for this exon. This variant is present in population databases (rs202013285, gnomAD 0.003%). This variant has not been reported in the literature in individuals affected with APP-related conditions. Variants that disrupt the consensus splice site are a relatively common cause of aberrant splicing (PMID: 17576681, 9536098). Algorithms developed to predict the effect of sequence changes on RNA splicing suggest that this variant may disrupt the consensus splice site. In summary, the available evidence is currently insufficient to determine the role of this variant in disease. Therefore, it has been classified as a Variant of Uncertain Significance.

Literature cited by the submitters: PubMed 17576681; PubMed 9536098.

NM_000484.4(APP):c.1458G>A (p.Arg486=)

Gene: APP (amyloid beta precursor protein; minus strand). Cytogenetic location: 21q21.3.
Variant type: single nucleotide variant.
Coding change: c.1458G>A on transcript NM_000484.4 (MANE Select); coding-DNA position 1458, G replaced by A.
Protein change: p.Arg486=; no amino-acid change (arginine 486 retained).
Molecular consequence: synonymous variant.
Genome position (GRCh38, 1-based): chr21:25,975,070, C>T on the plus strand (G>A on the coding strand, the complement: APP is on the minus strand). VCF-style: chr21-25975070-C-T. GRCh37 (hg19) VCF-style: chr21-27347383-C-T.
Other names: c.1386G>A, p.Arg462= (NM_001136016.3); c.1065G>A, p.Arg355= (NM_001136129.3); c.1290G>A, p.Arg430= (NM_001136130.3, NM_001385253.1); c.1128G>A, p.Arg376= (NM_001136131.3); c.1458G>A, p.Arg486= (NM_001204301.2); c.1401G>A, p.Arg467= (NM_001204302.2, NM_201413.3); c.1233G>A, p.Arg411= (NM_001204303.2, NM_201414.3).
Identifiers: ClinVar variation 4692826 (VCV004692826.1).